The following is an entry in ClinVar:

NM_007194.4(CHEK2):c.-7+5_-7+8del

Genes: CHEK2 (checkpoint kinase 2; minus strand), LOC130067165 (ATAC-STARR-seq lymphoblastoid active region 18804; plus strand). Cytogenetic location: 22q12.1.
Variant type: Deletion.
Coding change: c.-7+5_-7+8del on transcript NM_007194.4 (MANE Select); bases 5 to 8 of the intron after 7 bases upstream of the start codon, 4 bases deleted (GTCA; older notation c.-7+5_-7+8delGTCA).
Molecular consequence: intron variant.
Genome position (GRCh38, 1-based): chr22:28,741,761-28,741,764, TGAC deleted on the plus strand (GTCA on the coding strand, the reverse complement: CHEK2 is on the minus strand); deleting any 4 consecutive bases within chr22:28,741,761-28,741,765 gives the same sequence; the c. name uses the placement nearest the transcript's 3' end. VCF-style (leftmost placement, unchanged base first): chr22-28741760-ATGAC-A. GRCh37 (hg19) VCF-style: chr22-29137748-ATGAC-A.
Other names: c.-345+5_-345+8del (NM_001437942.1); c.-7+5_-7+8del (NM_001349956.3, NM_145862.3, NM_001438295.1 and 3 more transcripts); c.-784+5_-784+8del (NM_001257387.3).
Identifiers: ClinVar variation 3342004 (VCV003342004.16).

ClinVar aggregate classification (germline): Uncertain significance (1 of 4 stars; one submission).

Submission:

CeGaT Center for Human Genetics Tuebingen
Classification: Uncertain significance. Last evaluated: 2024-08-01. Review status: criteria provided, single submitter. Criteria: CeGaT Center For Human Genetics Tuebingen Variant Classification Criteria Version 2. Collection method: clinical testing. Allele origin: germline. Affected: yes. Observed: 1 variant allele.
Comment: CHEK2: PM2, PP3